The following is an entry in ClinVar:

ClinVar aggregate classification (germline): Uncertain significance (1 of 4 stars; one submission).

Allele frequency attached by ClinVar (database versions not stated): ExAC 0.00001; gnomAD exomes 0.00001; gnomAD 0.00002; TOPMed 0.00002.
gnomAD v4.1: 21 of 1,614,040 alleles (0.0013%); highest among the groups gnomAD compares: African/African-American, 0.0027%; no homozygotes.

Submission:

GeneDx
Classification: Uncertain significance. Last evaluated: 2022-05-13. Review status: criteria provided, single submitter. Criteria: GeneDx Variant Classification Process June 2021. Collection method: clinical testing. Allele origin: germline. Affected: yes.
Comment: Not observed at significant frequency in large population cohorts (gnomAD); In silico analysis supports that this missense variant has a deleterious effect on protein structure/function; Has not been previously published as pathogenic or benign to our knowledge

NM_001376013.1(EPB41):c.2063T>G (p.Leu688Arg)

Gene: EPB41 (erythrocyte membrane protein band 4.1; plus strand). Cytogenetic location: 1p35.3.
Variant type: single nucleotide variant.
Coding change: c.2063T>G on transcript NM_001376013.1 (MANE Select); coding-DNA position 2063, T replaced by G.
Protein change: p.Leu688Arg; replaces leucine 688 with arginine.
Molecular consequence: missense variant.
Genome position (GRCh38, 1-based): chr1:29,065,037, T>G. VCF-style: chr1-29065037-T-G. GRCh37 (hg19) VCF-style: chr1-29391549-T-G.
Other names: c.2063T>G, p.Leu688Arg (NM_001166005.2, NM_001376016.1, NM_001376017.1 and 1 more transcripts); c.2021T>G, p.Leu674Arg (NM_001166006.2); c.1274T>G, p.Leu425Arg (NM_001166007.2, NM_001376027.1); c.1958T>G, p.Leu653Arg (NM_001376014.1, NM_001376015.1); c.2060T>G, p.Leu687Arg (NM_001376018.1, NM_001376020.1); c.1901T>G, p.Leu634Arg (NM_001376021.1); c.1436T>G, p.Leu479Arg (NM_001376022.1, NM_001376023.1, NM_001376024.1 and 1 more transcripts); c.1328T>G, p.Leu443Arg (NM_001376026.1); and 4 more; short protein forms L424R, L425R, L443R, L446R, L465R, L479R, L599R, L634R.
Identifiers: ClinVar variation 1800742 (VCV001800742.1), dbSNP rs768609152, ClinGen allele CA724722.
Genomic context (GRCh38, chr1:29,065,037, plus strand): 5'-TGTAGGATTTAGACAAGAGTCAAGAGGAGATCAAAAAACATCATGCCAGCATCAGTGAGC[T>G]GAAAAAGAACTTCATGGAGTCTGTACCAGAACCACGGCCTAGTGAATGGGATAAACGCTT-3'
Protein context (NP_001362942.1, residues 678-698): IKKHHASISE[Leu688Arg]KKNFMESVPE